The following is an entry in ClinVar:

ClinVar aggregate classification (germline): Uncertain significance (1 of 4 stars; one submission).

gnomAD v4.1: 1 of 1,613,906 alleles (0.000062%); highest among the groups gnomAD compares: Non-Finnish European, 0.000085%; no homozygotes.

Submission:

Labcorp Genetics (formerly Invitae), Labcorp
Classification: Uncertain significance. Last evaluated: 2025-02-15. Review status: criteria provided, single submitter. Criteria: Invitae Variant Classification Sherloc (09022015). Collection method: clinical testing. Allele origin: germline.
Comment: This sequence change replaces histidine, which is basic and polar, with tyrosine, which is neutral and polar, at codon 186 of the ACVR1 protein (p.His186Tyr). This variant is present in population databases (rs751891766, gnomAD 0.0009%). This variant has not been reported in the literature in individuals affected with ACVR1-related conditions. An algorithm developed to predict the effect of missense changes on protein structure and function (PolyPhen-2) suggests that this variant is likely to be disruptive. In summary, the available evidence is currently insufficient to determine the role of this variant in disease. Therefore, it has been classified as a Variant of Uncertain Significance.

NM_001111067.4(ACVR1):c.556C>T (p.His186Tyr)

Gene: ACVR1 (activin A receptor type 1; minus strand). Cytogenetic location: 2q24.1.
Variant type: single nucleotide variant.
Coding change: c.556C>T on transcript NM_001111067.4 (MANE Select); coding-DNA position 556, C replaced by T.
Protein change: p.His186Tyr; replaces histidine 186 with tyrosine.
Molecular consequence: missense variant.
Genome position (GRCh38, 1-based): chr2:157,774,175, G>A on the plus strand (C>T on the coding strand, the complement: ACVR1 is on the minus strand). VCF-style: chr2-157774175-G-A. GRCh37 (hg19) VCF-style: chr2-158630687-G-A.
Other names: c.556C>T, p.His186Tyr (NM_001105.5, NM_001347663.1, NM_001347664.1 and 3 more transcripts); short protein forms H186Y.
Identifiers: ClinVar variation 4780388 (VCV004780388.1).
Genomic context (GRCh38, chr2:157,774,175, plus strand): 5'-GAGCCACTGTTCTTTGTACCAGAAAAGGAAGACCAGAGCCACTTCCTGATGTACACGAAT[G>A]ATCCAATAAATCCTGTGGTTTAAGACAAGGGGGAAAAGAAACGATTGAGCAATATAGCTC-3'
Protein context (NP_001104537.1, residues 176-196): GDSTLADLLD[His186Tyr]SCTSGSGSGL